The following is an entry in ClinVar:

NM_177438.3(DICER1):c.5503T>C (p.Tyr1835His)

Gene: DICER1 (dicer 1, ribonuclease III; minus strand). Cytogenetic location: 14q32.13.
Variant type: single nucleotide variant.
Coding change: c.5503T>C on transcript NM_177438.3 (MANE Select); coding-DNA position 5503, T replaced by C.
Protein change: p.Tyr1835His; replaces tyrosine 1835 with histidine.
Molecular consequence: missense variant. On other transcripts: non-coding transcript variant (6), intron variant (1).
Genome position (GRCh38, 1-based): chr14:95,091,227, A>G on the plus strand (T>C on the coding strand, the complement: DICER1 is on the minus strand). VCF-style: chr14-95091227-A-G. GRCh37 (hg19) VCF-style: chr14-95557564-A-G.
Other names: c.5365-118T>C (NM_001195573.1); c.5098T>C, p.Tyr1700His (NM_001395687.1, NM_001395688.1, NM_001395689.1 and 1 more transcripts); c.4936T>C, p.Tyr1646His (NM_001395691.1); c.3820T>C, p.Tyr1274His (NM_001395697.1); c.5503T>C, p.Tyr1835His (NM_030621.4, NM_001271282.3, NM_001291628.2 and 7 more transcripts); c.5221T>C, p.Tyr1741His (NM_001395686.1); short protein forms Y1274H, Y1646H, Y1700H, Y1741H, Y1835H.
Identifiers: ClinVar variation 4240520 (VCV004240520.1).

ClinVar aggregate classification (germline): Uncertain significance (1 of 4 stars; one submission).

Conditions:
Hereditary cancer-predisposing syndrome. Also called: Hereditary Cancer Syndrome; Hereditary neoplastic syndrome; Neoplastic Syndromes, Hereditary; Tumor predisposition. Identifiers: Orphanet 140162, MedGen C0027672, MeSH D009386, MONDO:0015356.

gnomAD v4.1: 1 of 1,614,178 alleles (0.000062%); highest among the groups gnomAD compares: South Asian, 0.0011%; no homozygotes.

Submission:

Ambry Genetics
Classification: Uncertain significance for Hereditary cancer-predisposing syndrome. Last evaluated: 2025-08-08. Review status: criteria provided, single submitter. Criteria: Ambry Variant Classification Scheme 2023. Collection method: clinical testing. Allele origin: germline.
Comment: The p.Y1835H variant (also known as c.5503T>C), located in coding exon 24 of the DICER1 gene, results from a T to C substitution at nucleotide position 5503. The tyrosine at codon 1835 is replaced by histidine, an amino acid with similar properties. This amino acid position is conserved. In addition, the in silico prediction for this alteration is inconclusive. Based on the available evidence, the clinical significance of this variant remains unclear.